The following is an entry in ClinVar:

NM_001349232.2(ATG7):c.1827C>T (p.Asp609=)

Genes: ATG7 (autophagy related 7; plus strand), LOC126806603 (CDK7 strongly-dependent group 2 enhancer GRCh37_chr3:11405755-11406954; plus strand). Cytogenetic location: 3p25.3.
Variant type: single nucleotide variant.
Coding change: c.1827C>T on transcript NM_001349232.2 (MANE Select); coding-DNA position 1827, C replaced by T.
Protein change: p.Asp609=; no amino-acid change (aspartic acid 609 retained).
Molecular consequence: synonymous variant.
Genome position (GRCh38, 1-based): chr3:11,364,686, C>T. VCF-style: chr3-11364686-C-T. GRCh37 (hg19) VCF-style: chr3-11406160-C-T.
Other names: c.1827C>T, p.Asp609= (NM_001136031.3, NM_001349233.2, NM_001349234.2 and 2 more transcripts); c.1710C>T, p.Asp570= (NM_001144912.2, NM_001349236.2); c.1668C>T, p.Asp556= (NM_001349237.2); c.894C>T, p.Asp298= (NM_001349238.2).
Identifiers: ClinVar variation 753434 (VCV000753434.5), dbSNP rs201411636, ClinGen allele CA2256181.

ClinVar aggregate classification (germline): Benign/Likely benign. Review status: criteria provided, multiple submitters, no conflicts (2 of 4 stars). 2 submissions from 2 submitters: Benign (1); Likely benign (1). Last evaluated 2026-04-01.

Allele frequency attached by ClinVar (database versions not stated): gnomAD 0.00002 and 0.00033; TOPMed 0.00009; gnomAD exomes 0.00061 and 0.00126; ExAC 0.00153; 1000 Genomes Project 0.00240; 1000 Genomes Project 30x 0.00250.
gnomAD v4.1: 940 of 1,614,148 alleles (0.058%); highest among the groups gnomAD compares: South Asian, 0.96%; 10 homozygotes.

Submissions (2):

CeGaT Center for Human Genetics Tuebingen
Classification: Likely benign. Last evaluated: 2026-04-01. Review status: criteria provided, single submitter. Criteria: CeGaT Center For Human Genetics Tuebingen Variant Classification Criteria Version 2. Collection method: clinical testing. Allele origin: germline. Affected: yes. Observed: 1 variant allele.
Comment: ATG7: BP4, BP7

Labcorp Genetics (formerly Invitae), Labcorp
Classification: Benign. Last evaluated: 2018-06-15. Review status: criteria provided, single submitter. Criteria: Invitae Variant Classification Sherloc (09022015). Collection method: clinical testing. Allele origin: germline.